The following is an entry in ClinVar:

NM_000429.3(MAT1A):c.951+6C>A

Gene: MAT1A (methionine adenosyltransferase 1A; minus strand). Cytogenetic location: 10q22.3.
Variant type: single nucleotide variant.
Coding change: c.951+6C>A on transcript NM_000429.3 (MANE Select); 6 bases into the intron after coding-DNA position 951, C replaced by A.
Molecular consequence: intron variant.
Genome position (GRCh38, 1-based): chr10:80,275,011, G>T on the plus strand (C>A on the coding strand, the complement: MAT1A is on the minus strand). VCF-style: chr10-80275011-G-T. GRCh37 (hg19) VCF-style: chr10-82034767-G-T.
Identifiers: ClinVar variation 2031796 (VCV002031796.4), dbSNP rs2492486285, ClinGen allele CA2580082041.

ClinVar aggregate classification (germline): Uncertain significance (1 of 4 stars; one submission).

Conditions:
Hepatic methionine adenosyltransferase deficiency. Also called: Isolated Persistent Hypermethioninemia; MAT I/III DEFICIENCY; Methionine adenosyltransferase deficiency; Deficiency of methionine adenosyltransferase. Identifiers: Orphanet 168598, MedGen C0268621, MeSH C564683, MONDO:0009607, OMIM 250850.

Allele frequency attached by ClinVar (database versions not stated): gnomAD exomes 0.00001.

Submission:

Labcorp Genetics (formerly Invitae), Labcorp
Classification: Uncertain significance for Hepatic methionine adenosyltransferase deficiency. Last evaluated: 2023-12-11. Review status: criteria provided, single submitter. Criteria: Invitae Variant Classification Sherloc (09022015). Collection method: clinical testing. Allele origin: germline.
Comment: This sequence change falls in intron 7 of the MAT1A gene. It does not directly change the encoded amino acid sequence of the MAT1A protein. It affects a nucleotide within the consensus splice site. This variant is not present in population databases (gnomAD no frequency). This variant has not been reported in the literature in individuals affected with MAT1A-related conditions. ClinVar contains an entry for this variant (Variation ID: 2031796). Variants that disrupt the consensus splice site are a relatively common cause of aberrant splicing (PMID: 17576681, 9536098). Algorithms developed to predict the effect of sequence changes on RNA splicing suggest that this variant is not likely to affect RNA splicing. In summary, the available evidence is currently insufficient to determine the role of this variant in disease. Therefore, it has been classified as a Variant of Uncertain Significance.

Literature cited by the submitters: PubMed 17576681; PubMed 9536098.